The following is an entry in ClinVar:

NM_001379500.1(COL18A1):c.2947C>T (p.Arg983Cys)

Genes: COL18A1 (collagen type XVIII alpha 1 chain; plus strand), SLC19A1 (solute carrier family 19 member 1; minus strand). Cytogenetic location: 21q22.3.
Variant type: single nucleotide variant.
Coding change: c.2947C>T on transcript NM_001379500.1 (MANE Select); coding-DNA position 2947, C replaced by T.
Protein change: p.Arg983Cys; replaces arginine 983 with cysteine.
Molecular consequence: missense variant.
Genome position (GRCh38, 1-based): chr21:45,505,212, C>T. VCF-style: chr21-45505212-C-T. GRCh37 (hg19) VCF-style: chr21-46925126-C-T.
Other names: c.4183C>T, p.Arg1395Cys (NM_130444.3); c.3478C>T, p.Arg1160Cys (NM_030582.4); c.3478C>T (NM_030582.3); short protein forms R1160C, R1395C, R983C.
Identifiers: ClinVar variation 1001754 (VCV001001754.8), dbSNP rs372973695, ClinGen allele CA10067567.

ClinVar aggregate classification (germline): Conflicting classifications of pathogenicity. Review status: criteria provided, conflicting classifications (1 of 4 stars). 6 submissions from 6 submitters: Uncertain significance (5); Likely benign (1). Last evaluated 2026-09-01.

Conditions:
Hereditary glaucoma, primary closed-angle. Also called: Glaucoma, primary closed-angle. Identifiers: MedGen C5394374, MONDO:0030038, OMIM 618880.
Knobloch syndrome 1 (KNO1). Identifiers: MedGen C4551775, MONDO:0800167, OMIM 267750.
COL18A1-related disorder. Also called: COL18A1-related condition; COL18A1-related disorders.

Allele frequency attached by ClinVar (database versions not stated): gnomAD exomes 0.00033 and 0.00040; ESP Exome Variant Server 0.00044; TOPMed 0.00046; ExAC 0.00050; 1000 Genomes Project 0.00020; gnomAD 0.00025 and 0.00030; 1000 Genomes Project 30x 0.00031.
gnomAD v4.1: 532 of 1,601,224 alleles (0.033%); highest among the groups gnomAD compares: Middle Eastern, 0.45%; 1 homozygote.

Submissions (6):

CeGaT Center for Human Genetics Tuebingen
Classification: Uncertain significance. Last evaluated: 2026-09-01. Review status: criteria provided, single submitter. Criteria: CeGaT Center For Human Genetics Tuebingen Variant Classification Criteria Version 2. Collection method: clinical testing. Allele origin: germline. Affected: yes. Observed: 2 variant alleles.
Comment: COL18A1: PM2, PP3

PreventionGenetics, part of Exact Sciences
Classification: Uncertain significance for COL18A1-related condition. Last evaluated: 2026-07-01. Review status: criteria provided, single submitter. Criteria: ACMG Guidelines, 2015. Collection method: clinical testing. Allele origin: germline.
Comment: The COL18A1 c.3478C>T variant is predicted to result in the amino acid substitution p.Arg1160Cys. This variant was previously reported in a large cohort of individuals with hypoalphalipoproteinaemia (supplementary data, Dong et al. 2022. PubMed ID: 35460704). However, this variant is reported in 0.094% of alleles in individuals of Ashkenazi Jewish descent in gnomAD, which may be too frequent to be a primary cause of disease. Although we suspect that this variant may be benign, at this time, the clinical significance of this variant is uncertain due to the absence of conclusive functional and genetic evidence.

Blueprint Genetics
Classification: Likely benign. Last evaluated: 2024-11-24. Review status: criteria provided, single submitter. Criteria: ACMG Guidelines, 2015. Collection method: clinical testing. Allele origin: germline.

Labcorp Genetics (formerly Invitae), Labcorp
Classification: Uncertain significance. Last evaluated: 2024-01-24. Review status: criteria provided, single submitter. Criteria: Invitae Variant Classification Sherloc (09022015). Collection method: clinical testing. Allele origin: germline.
Comment: This sequence change replaces arginine, which is basic and polar, with cysteine, which is neutral and slightly polar, at codon 980 of the COL18A1 protein (p.Arg980Cys). This variant is present in population databases (rs372973695, gnomAD 0.09%). This variant has not been reported in the literature in individuals affected with COL18A1-related conditions. ClinVar contains an entry for this variant (Variation ID: 1001754). Experimental studies and prediction algorithms are not available or were not evaluated, and the functional significance of this variant is currently unknown. In summary, the available evidence is currently insufficient to determine the role of this variant in disease. Therefore, it has been classified as a Variant of Uncertain Significance.

Fulgent Genetics
Classification: Uncertain significance for Knobloch syndrome 1; Hereditary glaucoma, primary closed-angle. Last evaluated: 2021-12-20. Review status: criteria provided, single submitter. Criteria: ACMG Guidelines, 2015. Collection method: clinical testing. Allele origin: unknown.

Breakthrough Genomics
Classification: Uncertain significance. Review status: criteria provided, single submitter. Criteria: ACMG Guidelines, 2015. Collection method: not provided. Allele origin: germline. Inheritance: Autosomal dominant inheritance. Affected: yes.